The following is an entry in ClinVar:

ClinVar aggregate classification (germline): Uncertain significance (1 of 4 stars; one submission).

Submission:

GeneDx
Classification: Uncertain significance. Last evaluated: 2025-01-08. Review status: criteria provided, single submitter. Criteria: GeneDx Variant Classification Process June 2021. Collection method: clinical testing. Allele origin: germline. Affected: yes.
Comment: Not observed at significant frequency in large population cohorts (gnomAD); In silico analysis indicates that this missense variant does not alter protein structure/function; Has not been previously published as pathogenic or benign to our knowledge

NM_001130823.3(DNMT1):c.646C>A (p.Gln216Lys)

Gene: DNMT1 (DNA methyltransferase 1; minus strand). Cytogenetic location: 19p13.2.
Variant type: single nucleotide variant.
Coding change: c.646C>A on transcript NM_001130823.3 (MANE Select); coding-DNA position 646, C replaced by A.
Protein change: p.Gln216Lys; replaces glutamine 216 with lysine.
Molecular consequence: missense variant.
Genome position (GRCh38, 1-based): chr19:10,175,542, G>T on the plus strand (C>A on the coding strand, the complement: DNMT1 is on the minus strand). VCF-style: chr19-10175542-G-T. GRCh37 (hg19) VCF-style: chr19-10286218-G-T.
Other names: c.598C>A, p.Gln200Lys (NM_001318730.2, NM_001379.4); c.283C>A, p.Gln95Lys (NM_001318731.2); short protein forms Q200K, Q216K, Q95K.
Identifiers: ClinVar variation 4056969 (VCV004056969.1).